The following is an entry in ClinVar:

NM_001365999.1(SZT2):c.5708A>G (p.Gln1903Arg)

Gene: SZT2 (SZT2 subunit of KICSTOR complex; plus strand). Cytogenetic location: 1p34.2.
Variant type: single nucleotide variant.
Coding change: c.5708A>G on transcript NM_001365999.1 (MANE Select); coding-DNA position 5708, A replaced by G.
Protein change: p.Gln1903Arg; replaces glutamine 1903 with arginine.
Molecular consequence: missense variant.
Genome position (GRCh38, 1-based): chr1:43,433,094, A>G. VCF-style: chr1-43433094-A-G. GRCh37 (hg19) VCF-style: chr1-43898765-A-G.
Other names: c.5537A>G, p.Gln1846Arg (NM_015284.4); c.5537A>G (NM_015284.3); short protein forms Q1846R, Q1903R.
Identifiers: ClinVar variation 2086335 (VCV002086335.6), dbSNP rs760226125, ClinGen allele CA809672.

ClinVar aggregate classification (germline): Uncertain significance. Review status: criteria provided, multiple submitters, no conflicts (2 of 4 stars). 3 submissions from 3 submitters: Uncertain significance (3). Last evaluated 2026-07-10.

Conditions:
Inborn genetic diseases. Identifiers: MedGen C0950123, MeSH D030342.

gnomAD v4.1: 5 of 1,614,020 alleles (0.00031%); highest among the groups gnomAD compares: African/African-American, 0.0013%; no homozygotes.

Submissions (3):

GeneDx
Classification: Uncertain significance. Last evaluated: 2026-07-10. Review status: criteria provided, single submitter. Criteria: GeneDx Variant Classification Process June 2021. Collection method: clinical testing. Allele origin: germline.
Comment: Not observed at significant frequency in large population cohorts (gnomAD); In silico analysis suggests that this missense variant does not alter protein structure/function; Has not been previously published as pathogenic or benign to our knowledge

Ambry Genetics
Classification: Uncertain significance for Inborn genetic diseases. Last evaluated: 2025-02-15. Review status: criteria provided, single submitter. Criteria: Ambry Variant Classification Scheme 2023. Collection method: clinical testing. Allele origin: germline.

Labcorp Genetics (formerly Invitae), Labcorp
Classification: Uncertain significance. Last evaluated: 2024-05-22. Review status: criteria provided, single submitter. Criteria: Invitae Variant Classification Sherloc (09022015). Collection method: clinical testing. Allele origin: germline.
Comment: This sequence change replaces glutamine, which is neutral and polar, with arginine, which is basic and polar, at codon 1846 of the SZT2 protein (p.Gln1846Arg). This variant is present in population databases (rs760226125, gnomAD 0.007%). This variant has not been reported in the literature in individuals affected with SZT2-related conditions. ClinVar contains an entry for this variant (Variation ID: 2086335). An algorithm developed to predict the effect of missense changes on protein structure and function (PolyPhen-2) suggests that this variant is likely to be tolerated. In summary, the available evidence is currently insufficient to determine the role of this variant in disease. Therefore, it has been classified as a Variant of Uncertain Significance.